The following is an entry in ClinVar:

ClinVar aggregate classification (germline): Uncertain significance (1 of 4 stars; one submission).

Conditions:
Hereditary cancer-predisposing syndrome. Also called: Tumor predisposition; Hereditary Cancer Syndrome; Hereditary neoplastic syndrome; Neoplastic Syndromes, Hereditary. Identifiers: Orphanet 140162, MedGen C0027672, MeSH D009386, MONDO:0015356.

gnomAD v4.1: 1 of 1,613,744 alleles (0.000062%); highest among the groups gnomAD compares: Non-Finnish European, 0.000085%; no homozygotes.

Submission:

Ambry Genetics
Classification: Uncertain significance for Hereditary cancer-predisposing syndrome. Last evaluated: 2024-03-17. Review status: criteria provided, single submitter. Criteria: Ambry Variant Classification Scheme 2023. Collection method: clinical testing. Allele origin: germline.
Comment: The p.S2026F variant (also known as c.6077C>T), located in coding exon 15 of the APC gene, results from a C to T substitution at nucleotide position 6077. The serine at codon 2026 is replaced by phenylalanine, an amino acid with highly dissimilar properties. This amino acid position is conserved. In addition, in silico predictors for this gene do not accurately predict pathogenicity. Based on the available evidence, the clinical significance of this alteration remains unclear.

NM_000038.6(APC):c.6077C>T (p.Ser2026Phe)

Gene: APC (APC regulator of Wnt signaling pathway; plus strand). Cytogenetic location: 5q22.2.
Variant type: single nucleotide variant.
Coding change: c.6077C>T on transcript NM_000038.6 (MANE Select); coding-DNA position 6077, C replaced by T.
Protein change: p.Ser2026Phe; replaces serine 2026 with phenylalanine.
Molecular consequence: missense variant. On other transcripts: non-coding transcript variant (2).
Genome position (GRCh38, 1-based): chr5:112,841,671, C>T. VCF-style: chr5-112841671-C-T. GRCh37 (hg19) VCF-style: chr5-112177368-C-T.
Other names: c.6077C>T, p.Ser2026Phe (NM_001127510.3, NM_001354895.2, NM_001407450.1); c.6023C>T, p.Ser2008Phe (NM_001127511.3); c.6131C>T, p.Ser2044Phe (NM_001354896.2, NM_001407447.1, NM_001407448.1 and 1 more transcripts); c.6107C>T, p.Ser2036Phe (NM_001354897.2); c.6002C>T, p.Ser2001Phe (NM_001354898.2); c.5993C>T, p.Ser1998Phe (NM_001354899.2); c.5954C>T, p.Ser1985Phe (NM_001354900.2); c.5900C>T, p.Ser1967Phe (NM_001354901.2, NM_001407453.1); and 11 more; short protein forms S1642F, S1935F, S2008F, S2019F, S2036F, S1866F, S2001F, S2054F.
Identifiers: ClinVar variation 3303198 (VCV003303198.1).